The following is an entry in ClinVar:

ClinVar aggregate classification (germline): Likely benign (1 of 4 stars; one submission).

gnomAD v4.1: 1 of 1,164,648 alleles (0.000086%); highest among the groups gnomAD compares: South Asian, 0.0019%; no homozygotes.

Submission:

CeGaT Center for Human Genetics Tuebingen
Classification: Likely benign. Last evaluated: 2025-06-01. Review status: criteria provided, single submitter. Criteria: CeGaT Center For Human Genetics Tuebingen Variant Classification Criteria Version 2. Collection method: clinical testing. Allele origin: germline. Affected: yes. Observed: 1 variant allele.
Comment: SLC35A2: BP4, BP7

NM_005660.3(SLC35A2):c.36G>A (p.Ala12=)

Gene: SLC35A2 (solute carrier family 35 member A2; minus strand). Cytogenetic location: Xp11.23.
Variant type: single nucleotide variant.
Coding change: c.36G>A on transcript NM_005660.3 (MANE Select); coding-DNA position 36, G replaced by A.
Protein change: p.Ala12=; no amino-acid change (alanine 12 retained).
Molecular consequence: synonymous variant. On other transcripts: intron variant (1).
Genome position (GRCh38, 1-based): chrX:48,911,601, C>T on the plus strand (G>A on the coding strand, the complement: SLC35A2 is on the minus strand). VCF-style: chrX-48911601-C-T. GRCh37 (hg19) VCF-style: chrX-48768878-C-T.
Other names: c.36G>A, p.Ala12= (NM_001032289.3, NM_001042498.3, NM_001282647.2 and 3 more transcripts); c.19+258G>A (NM_001282648.2).
Identifiers: ClinVar variation 3905987 (VCV003905987.10).